The following is an entry in ClinVar:

ClinVar aggregate classification (germline): Uncertain significance (1 of 4 stars; one submission).

gnomAD v4.1: 1 of 1,538,972 alleles (0.000065%); highest among the groups gnomAD compares: South Asian, 0.0012%; no homozygotes.

Submission:

GeneDx
Classification: Uncertain significance. Last evaluated: 2024-11-05. Review status: criteria provided, single submitter. Criteria: GeneDx Variant Classification Process June 2021. Collection method: clinical testing. Allele origin: germline. Affected: yes.
Comment: Not observed at significant frequency in large population cohorts (gnomAD); In silico analysis indicates that this missense variant does not alter protein structure/function; Has not been previously published as pathogenic or benign to our knowledge

NM_003737.4(DCHS1):c.4276G>T (p.Val1426Leu)

Gene: DCHS1 (dachsous cadherin-related 1; minus strand). Cytogenetic location: 11p15.4.
Variant type: single nucleotide variant.
Coding change: c.4276G>T on transcript NM_003737.4 (MANE Select); coding-DNA position 4276, G replaced by T.
Protein change: p.Val1426Leu; replaces valine 1426 with leucine.
Molecular consequence: missense variant.
Genome position (GRCh38, 1-based): chr11:6,630,518, C>A on the plus strand (G>T on the coding strand, the complement: DCHS1 is on the minus strand). VCF-style: chr11-6630518-C-A. GRCh37 (hg19) VCF-style: chr11-6651749-C-A.
Other names: short protein forms V1426L.
Identifiers: ClinVar variation 3897098 (VCV003897098.1).